The following is an entry in ClinVar:

ClinVar aggregate classification (germline): Likely benign. Review status: criteria provided, multiple submitters, no conflicts (2 of 4 stars). 2 submissions from 2 submitters: Likely benign (2). Last evaluated 2025-09-01.

Allele frequency attached by ClinVar (database versions not stated): gnomAD 0.00001.

Submissions (2):

CeGaT Center for Human Genetics Tuebingen
Classification: Likely benign. Last evaluated: 2025-09-01. Review status: criteria provided, single submitter. Criteria: CeGaT Center For Human Genetics Tuebingen Variant Classification Criteria Version 2. Collection method: clinical testing. Allele origin: germline. Affected: yes. Observed: 1 variant allele.
Comment: PACS2: BP4, BP7

Labcorp Genetics (formerly Invitae), Labcorp
Classification: Likely benign. Last evaluated: 2025-01-06. Review status: criteria provided, single submitter. Criteria: Invitae Variant Classification Sherloc (09022015). Collection method: clinical testing. Allele origin: germline.

NM_001100913.3(PACS2):c.60G>A (p.Val20=)

Genes: BRF1 (BRF1 general transcription factor IIIB subunit; minus strand), PACS2 (phosphofurin acidic cluster sorting protein 2; plus strand), LOC130056677 (ATAC-STARR-seq lymphoblastoid silent region 6228; plus strand). Cytogenetic location: 14q32.33.
Variant type: single nucleotide variant.
Coding change: c.60G>A on transcript NM_001100913.3 (MANE Select); coding-DNA position 60, G replaced by A.
Protein change: p.Val20=; no amino-acid change (valine 20 retained).
Molecular consequence: synonymous variant. On other transcripts: intron variant (4).
Genome position (GRCh38, 1-based): chr14:105,314,978, G>A. VCF-style: chr14-105314978-G-A. GRCh37 (hg19) VCF-style: chr14-105781315-G-A.
Other names: c.-162+344C>T (NM_001242787.2, NM_001242786.2, NM_001440451.1); c.-83+13999G>A (NM_001243127.3); c.60G>A, p.Val20= (NM_015197.4).
Identifiers: ClinVar variation 2056588 (VCV002056588.11), dbSNP rs893256021, ClinGen allele CA266519705.